The following is an entry in ClinVar:

ClinVar aggregate classification (germline): Uncertain significance. Review status: criteria provided, single submitter (1 of 4 stars). 2 submissions from 2 submitters: Uncertain significance (1). 1 of the submissions does not count toward it. Last evaluated 2024-01-27.

Conditions:
Neurodevelopmental disorder with hearing loss and spasticity. Identifiers: Orphanet 659975, MedGen C5562024, MONDO:0859206, OMIM 619616.

gnomAD v4.1: 37 of 1,601,374 alleles (0.0023%); highest among the groups gnomAD compares: Non-Finnish European, 0.0031%; no homozygotes.

Submissions (2):

GeneDx
Classification: Uncertain significance. Last evaluated: 2024-01-27. Review status: criteria provided, single submitter. Criteria: GeneDx Variant Classification Process June 2021. Collection method: clinical testing. Allele origin: germline. Affected: yes.
Comment: Not observed at significant frequency in large population cohorts (gnomAD); In silico analysis supports that this missense variant does not alter protein structure/function; Has not been previously published as pathogenic or benign to our knowledge

Undiagnosed Diseases Network, NIH
Classification: Uncertain significance for Neurodevelopmental disorder with hearing loss and spasticity. Last evaluated: 2022-12-21. Review status: no assertion criteria provided. Collection method: clinical testing. Allele origin: paternal. Affected: yes. Observed: 1 variant allele, 1 compound heterozygote. Study: Undiagnosed Diseases Network (NIH), UDN. Not counted in ClinVar's aggregate classification.

NM_024063.3(AFG2B):c.95G>A (p.Gly32Asp)

Gene: AFG2B (AFG2 AAA ATPase homolog B; plus strand). Cytogenetic location: 15q21.1.
Variant type: single nucleotide variant.
Coding change: c.95G>A on transcript NM_024063.3 (MANE Select); coding-DNA position 95, G replaced by A.
Protein change: p.Gly32Asp; replaces glycine 32 with aspartic acid.
Molecular consequence: missense variant. On other transcripts: non-coding transcript variant (5).
Genome position (GRCh38, 1-based): chr15:45,402,524, G>A. VCF-style: chr15-45402524-G-A. GRCh37 (hg19) VCF-style: chr15-45694722-G-A.
Other names: p.G32D; c.95G>A, p.Gly32Asp (NM_001323640.2); c.95G>A (NM_024063.2); short protein forms G32D.
Identifiers: ClinVar variation 2691764 (VCV002691764.3), dbSNP rs1210923128, ClinGen allele CA392258378.